The following is an entry in ClinVar:

ClinVar aggregate classification (germline): Uncertain significance. Review status: criteria provided, multiple submitters, no conflicts (2 of 4 stars). 2 submissions from 2 submitters: Uncertain significance (2). Last evaluated 2026-04-10.

Conditions:
Amyotrophic lateral sclerosis (ALS). Also called: Charcot disease; Lou Gehrig disease. Identifiers: Orphanet 803, MedGen C0002736, MONDO:0004976, HP:0007354.

Allele frequency attached by ClinVar (database versions not stated): TOPMed 0.00002; ExAC 0.00004; gnomAD 0.00004; gnomAD exomes 0.00004.
gnomAD v4.1: 64 of 1,613,630 alleles (0.004%); highest among the groups gnomAD compares: Middle Eastern, 0.016%; no homozygotes.

Submissions (2):

Department of Neurology, Brain Research Institute, Niigata University
Classification: Uncertain significance for Amyotrophic lateral sclerosis. Last evaluated: 2026-04-10. Review status: criteria provided, single submitter. Criteria: ACMG Guidelines, 2015. Collection method: research. Allele origin: unknown. Affected: yes.

CeGaT Center for Human Genetics Tuebingen
Classification: Uncertain significance. Last evaluated: 2024-02-01. Review status: criteria provided, single submitter. Criteria: CeGaT Center For Human Genetics Tuebingen Variant Classification Criteria Version 2. Collection method: clinical testing. Allele origin: germline. Affected: yes. Observed: 1 variant allele.

NM_005243.4(EWSR1):c.238C>A (p.Pro80Thr)

Gene: EWSR1 (EWS RNA binding protein 1; plus strand). Cytogenetic location: 22q12.2.
Variant type: single nucleotide variant.
Coding change: c.238C>A on transcript NM_005243.4 (MANE Select); coding-DNA position 238, C replaced by A.
Protein change: p.Pro80Thr; replaces proline 80 with threonine.
Molecular consequence: missense variant.
Genome position (GRCh38, 1-based): chr22:29,278,041, C>A. VCF-style: chr22-29278041-C-A. GRCh37 (hg19) VCF-style: chr22-29674030-C-A.
Other names: c.238C>A, p.Pro80Thr (NM_001163285.2, NM_001163286.2, NM_001163287.2); c.256C>A, p.Pro86Thr (NM_013986.4); short protein forms P80T, P86T.
Identifiers: ClinVar variation 3025886 (VCV003025886.23), dbSNP rs778130614, ClinGen allele CA10171382.